The following is an entry in ClinVar:

NM_000035.4(ALDOB):c.522C>G (p.Tyr174Ter)

Gene: ALDOB (aldolase, fructose-bisphosphate B; minus strand). Cytogenetic location: 9q31.1.
Variant type: single nucleotide variant.
Coding change: c.522C>G on transcript NM_000035.4 (MANE Select); coding-DNA position 522, C replaced by G.
Protein change: p.Tyr174Ter; replaces tyrosine 174 with a stop codon.
Molecular consequence: nonsense.
Genome position (GRCh38, 1-based): chr9:101,427,500, G>C on the plus strand (C>G on the coding strand, the complement: ALDOB is on the minus strand). VCF-style: chr9-101427500-G-C. GRCh37 (hg19) VCF-style: chr9-104189782-G-C.
Other names: c.522C>G, p.Tyr174Ter (LRG_1244t1); short protein forms Y174*.
Identifiers: ClinVar variation 555545 (VCV000555545.10), dbSNP rs752902486, ClinGen allele CA374265200.

ClinVar aggregate classification (germline): Pathogenic. Review status: criteria provided, multiple submitters, no conflicts (2 of 4 stars). 4 submissions from 4 submitters: Pathogenic (2). 2 of the submissions do not count toward it. Last evaluated 2024-09-23.

Conditions:
Hereditary fructosuria. Also called: Hereditary fructose intolerance; ALDOB DEFICIENCY; ALDOLASE B DEFICIENCY; FRUCTOSE-1,6-BISPHOSPHATE ALDOLASE B DEFICIENCY; FRUCTOSE-1-PHOSPHATE ALDOLASE DEFICIENCY; FRUCTOSEMIA. Identifiers: Orphanet 469, MedGen C0016751, MONDO:0009249, OMIM 229600, HP:0005973. Disease mechanism: loss of function.

gnomAD v4.1: 3 of 1,614,178 alleles (0.00019%); highest among the groups gnomAD compares: Non-Finnish European, 0.00025%; no homozygotes.

Submissions (4):

Natera, Inc.
Classification: Pathogenic for Fructose intolerance. Last evaluated: 2024-09-23. Review status: criteria provided, single submitter. Criteria: Natera Variant Classification Schema (03/2026). Collection method: clinical testing. Allele origin: germline.
Comment: The c.522C>G variant in ALDOB is a nonsense variant predicted to introduce a stop codon at amino acid 174. This variant is expected to result in nonsense mediated decay, truncation, or a dysfunctional protein product. This variant is rare in the general population with a frequency below the threshold expected for the associated phenotype(s). This variant has been observed in one or more individuals affected with the associated recessive disease, as either homozygous or compound heterozygous with a second variant (PMID: 16406649). Given the available evidence, this variant is classified as Pathogenic.

Labcorp Genetics (formerly Invitae), Labcorp
Classification: Pathogenic for Hereditary fructosuria. Last evaluated: 2022-12-08. Review status: criteria provided, single submitter. Criteria: Invitae Variant Classification Sherloc (09022015). Collection method: clinical testing. Allele origin: germline.
Comment: This sequence change creates a premature translational stop signal (p.Tyr174*) in the ALDOB gene. It is expected to result in an absent or disrupted protein product. Loss-of-function variants in ALDOB are known to be pathogenic (PMID: 18541450). This variant is not present in population databases (gnomAD no frequency). This premature translational stop signal has been observed in individual(s) with hereditary fructose intolerance (PMID: 16406649). ClinVar contains an entry for this variant (Variation ID: 555545). For these reasons, this variant has been classified as Pathogenic.

ATS em Genética Clínica, Universidade Federal do Rio Grande do Sul
Classification: Likely pathogenic for Hereditary fructosuria. Last evaluated: 2021-03-18. Review status: no assertion criteria provided. Collection method: literature only. Allele origin: unknown. Affected: yes. Not counted in ClinVar's aggregate classification.

Counsyl
Classification: Pathogenic for Hereditary fructosuria. Last evaluated: 2017-12-12. Review status: no assertion criteria provided. Collection method: clinical testing. Allele origin: unknown. Not counted in ClinVar's aggregate classification.

Literature cited by the submitters: PubMed 16406649 (cited by 4 submitters); PubMed 18541450 (cited by Labcorp Genetics (formerly Invitae), Labcorp).